The following is an entry in ClinVar:

ClinVar aggregate classification (germline): Uncertain significance (1 of 4 stars; one submission).

Conditions:
Primary ciliary dyskinesia. Also called: Ciliary dyskinesia. Identifiers: Orphanet 244, MedGen C0008780, MONDO:0016575, HP:0012265.

Submission:

Labcorp Genetics (formerly Invitae), Labcorp
Classification: Uncertain significance for Primary ciliary dyskinesia. Last evaluated: 2024-08-27. Review status: criteria provided, single submitter. Criteria: Invitae Variant Classification Sherloc (09022015). Collection method: clinical testing. Allele origin: germline.
Comment: This sequence change replaces leucine, which is neutral and non-polar, with proline, which is neutral and non-polar, at codon 271 of the RSPH4A protein (p.Leu271Pro). This variant is present in population databases (no rsID available, gnomAD 0.0009%). This variant has not been reported in the literature in individuals affected with RSPH4A-related conditions. Invitae Evidence Modeling of protein sequence and biophysical properties (such as structural, functional, and spatial information, amino acid conservation, physicochemical variation, residue mobility, and thermodynamic stability) indicates that this missense variant is not expected to disrupt RSPH4A protein function with a negative predictive value of 80%. In summary, the available evidence is currently insufficient to determine the role of this variant in disease. Therefore, it has been classified as a Variant of Uncertain Significance.

NM_001010892.3(RSPH4A):c.812T>C (p.Leu271Pro)

Gene: RSPH4A (radial spoke head component 4A; plus strand). Cytogenetic location: 6q22.1.
Variant type: single nucleotide variant.
Coding change: c.812T>C on transcript NM_001010892.3 (MANE Select); coding-DNA position 812, T replaced by C.
Protein change: p.Leu271Pro; replaces leucine 271 with proline.
Molecular consequence: missense variant.
Genome position (GRCh38, 1-based): chr6:116,622,893, T>C. VCF-style: chr6-116622893-T-C. GRCh37 (hg19) VCF-style: chr6-116944056-T-C.
Other names: c.812T>C, p.Leu271Pro (NM_001161664.2); short protein forms L271P.
Identifiers: ClinVar variation 3697101 (VCV003697101.2).